The following is an entry in ClinVar:

ClinVar aggregate classification (germline): Uncertain significance (1 of 4 stars; one submission).

gnomAD v4.1: 1 of 1,612,794 alleles (0.000062%); highest among the groups gnomAD compares: African/African-American, 0.0013%; no homozygotes.

Submission:

Labcorp Genetics (formerly Invitae), Labcorp
Classification: Uncertain significance. Last evaluated: 2024-03-27. Review status: criteria provided, single submitter. Criteria: Invitae Variant Classification Sherloc (09022015). Collection method: clinical testing. Allele origin: germline.
Comment: This sequence change replaces alanine, which is neutral and non-polar, with valine, which is neutral and non-polar, at codon 119 of the IFITM5 protein (p.Ala119Val). This variant is not present in population databases (gnomAD no frequency). This variant has not been reported in the literature in individuals affected with IFITM5-related conditions. An algorithm developed to predict the effect of missense changes on protein structure and function (PolyPhen-2) suggests that this variant is likely to be tolerated. In summary, the available evidence is currently insufficient to determine the role of this variant in disease. Therefore, it has been classified as a Variant of Uncertain Significance.

NM_001025295.3(IFITM5):c.356C>T (p.Ala119Val)

Gene: IFITM5 (interferon induced transmembrane protein 5; minus strand). Cytogenetic location: 11p15.5.
Variant type: single nucleotide variant.
Coding change: c.356C>T on transcript NM_001025295.3 (MANE Select); coding-DNA position 356, C replaced by T.
Protein change: p.Ala119Val; replaces alanine 119 with valine.
Molecular consequence: missense variant.
Genome position (GRCh38, 1-based): chr11:298,544, G>A on the plus strand (C>T on the coding strand, the complement: IFITM5 is on the minus strand). VCF-style: chr11-298544-G-A. GRCh37 (hg19) VCF-style: chr11-298544-G-A.
Other names: short protein forms A119V.
Identifiers: ClinVar variation 3686220 (VCV003686220.2).
Genomic context (GRCh38, chr11:298,544, plus strand): 5'-GATCAGGACCCAGCCTGTCAGTCATAGTCCGCGTCATCAAACTTGGTGCTGAAGAAGGCG[G>A]CAGAGTCCTTGGCCAGCCGGGCCAGGTGCAGGGCACCAGTCACCACCAGCCCCAGGAGCA-3'
Protein context (NP_001020466.1, residues 109-129): LHLARLAKDS[Ala119Val]AFFSTKFDDA